The following is an entry in ClinVar:

ClinVar aggregate classification (germline): Uncertain significance (1 of 4 stars; one submission).

Conditions:
Ataxia-telangiectasia syndrome (AT). Also called: ATAXIA-TELANGIECTASIA, COMPLEMENTATION GROUP A; ATAXIA-TELANGIECTASIA, FRESNO VARIANT; Ataxia-telangiectasia, complementation group D; AT, COMPLEMENTATION GROUP C; Cerebello-oculocutaneous telangiectasia; Immunodeficiency with ataxia telangiectasia. Identifiers: Orphanet 100, MedGen C0004135, MONDO:0008840, OMIM 208900.

Submission:

Labcorp Genetics (formerly Invitae), Labcorp
Classification: Uncertain significance for Ataxia-telangiectasia syndrome. Last evaluated: 2022-10-13. Review status: criteria provided, single submitter. Criteria: Invitae Variant Classification Sherloc (09022015). Collection method: clinical testing. Allele origin: germline.
Comment: This variant results in a copy number gain of the genomic region encompassing exon(s) 35-63 of the ATM gene. This region includes the termination codon of the gene. This copy number gain extends beyond the assayed region for this gene and therefore may encompass additional genes. As the precise location of this event is unknown, it may be in tandem or it may be located elsewhere in the genome. This variant has not been reported in the literature in individuals affected with ATM-related conditions. Experimental studies and prediction algorithms are not available or were not evaluated, and the functional significance of this variant is currently unknown. In summary, the available evidence is currently insufficient to determine the role of this variant in disease. Therefore, it has been classified as a Variant of Uncertain Significance.

NC_000011.9:g.(?_108172365)_(108236235_?)dup

Gene: ATM (ATM serine/threonine kinase; plus strand). Cytogenetic location: 11q22.3.
Variant type: Duplication.
Identifiers: ClinVar variation 1039601 (VCV001039601.6).